The following is an entry in ClinVar:

NM_007294.4(BRCA1):c.4146_4153dup (p.Leu1385fs)

Gene: BRCA1 (BRCA1 DNA repair associated; minus strand). Cytogenetic location: 17q21.31.
Variant type: Duplication.
Coding change: c.4146_4153dup on transcript NM_007294.4 (MANE Select); coding-DNA positions 4146 to 4153, 8 bases duplicated (CTCAGGGC; older notation c.4146_4153dupCTCAGGGC).
Protein change: p.Leu1385fs; shifts the reading frame from leucine 1385.
Molecular consequence: frameshift variant.
Genome position (GRCh38, 1-based): chr17:43,090,976-43,090,983, GCCCTGAG duplicated on the plus strand (CTCAGGGC on the coding strand, the reverse complement: BRCA1 is on the minus strand). VCF-style (leftmost placement, unchanged base first): chr17-43090975-A-AGCCCTGAG. GRCh37 (hg19) VCF-style: chr17-41242992-A-AGCCCTGAG.
Other names: c.4023_4030dup, p.Leu1344fs (NM_001407939.1, NM_001407937.1, NM_001407938.1 and 19 more transcripts); c.4020_4027dup, p.Leu1343fs (NM_001407940.1, NM_001407941.1, NM_001407649.1 and 11 more transcripts); c.4005_4012dup, p.Leu1338fs (NM_001407944.1, NM_001407945.1, NM_001407942.1 and 29 more transcripts); c.3813_3820dup, p.Leu1274fs (NM_001407946.1, NM_001407948.1, NM_001407949.1 and 6 more transcripts); c.4002_4009dup, p.Leu1337fs (NM_001407943.1, NM_001407964.1, NM_001407740.1 and 20 more transcripts); c.3879_3886dup, p.Leu1296fs (NM_001407930.1, NM_001407931.1, NM_001407932.1 and 2 more transcripts); c.3882_3889dup, p.Leu1297fs (NM_001407933.1, NM_001407935.1, NM_001407920.1 and 9 more transcripts); c.3810_3817dup, p.Leu1273fs (NM_001407954.1, NM_001407955.1, NM_001407956.1 and 1 more transcripts); and 41 more; short protein forms L1217fs, L1296fs, L1297fs, L1337fs, L194fs, L202fs, L235fs, L240fs.
Identifiers: ClinVar variation 4712720 (VCV004712720.1).
Genomic context (GRCh38, chr17:43,090,975, plus strand): 5'-GCATGTGCACACACACACACGCTTTTTACCTGAGTGGTTAAAATGTCACTCTGAGAGGAT[A>AGCCCTGAG]GCCCTGAGCAGTCTTCAGAGACGCTTGTTTCACTCTCACACCCAGATGCTGCTTCACCTT-3'

ClinVar aggregate classification (germline): Pathogenic (1 of 4 stars; one submission).

Conditions:
Hereditary breast ovarian cancer syndrome. Also called: BRCA1- and BRCA2-Associated Hereditary Breast and Ovarian Cancer; Breast and ovarian cancer; Hereditary breast and ovarian cancer syndrome; Hereditary breast and ovarian cancer syndrome (HBOC); Hereditary breast and/or ovarian cancer syndrome; Hereditary breast and ovarian cancer. Identifiers: Orphanet 145, MedGen C0677776, MeSH D061325, MONDO:0003582. Disease mechanism: loss of function.

Submission:

Labcorp Genetics (formerly Invitae), Labcorp
Classification: Pathogenic for Hereditary breast ovarian cancer syndrome. Last evaluated: 2025-02-10. Review status: criteria provided, single submitter. Criteria: Invitae Variant Classification Sherloc (09022015). Collection method: clinical testing. Allele origin: germline.
Comment: This sequence change creates a premature translational stop signal (p.Leu1385Profs*11) in the BRCA1 gene. It is expected to result in an absent or disrupted protein product. Loss-of-function variants in BRCA1 are known to be pathogenic (PMID: 20104584). This variant is not present in population databases (gnomAD no frequency). This variant has not been reported in the literature in individuals affected with BRCA1-related conditions. For these reasons, this variant has been classified as Pathogenic.

Literature cited by the submitters: PubMed 20104584.